The following is an entry in ClinVar:

NM_001844.5(COL2A1):c.2404G>A (p.Glu802Lys)

Gene: COL2A1 (collagen type II alpha 1 chain; minus strand). Cytogenetic location: 12q13.11.
Variant type: single nucleotide variant.
Coding change: c.2404G>A on transcript NM_001844.5 (MANE Select); coding-DNA position 2404, G replaced by A.
Protein change: p.Glu802Lys; replaces glutamic acid 802 with lysine.
Molecular consequence: missense variant.
Genome position (GRCh38, 1-based): chr12:47,981,781, C>T on the plus strand (G>A on the coding strand, the complement: COL2A1 is on the minus strand). VCF-style: chr12-47981781-C-T. GRCh37 (hg19) VCF-style: chr12-48375564-C-T.
Other names: c.2197G>A, p.Glu733Lys (NM_033150.3); short protein forms E802K, E733K.
Identifiers: ClinVar variation 450162 (VCV000450162.3), dbSNP rs148985854, ClinGen allele CA6535118.

ClinVar aggregate classification (germline): Uncertain significance (1 of 4 stars; one submission).

Allele frequency attached by ClinVar (database versions not stated): gnomAD exomes below 0.00001 and 0.00001; TOPMed below 0.00001; gnomAD 0.00001; ExAC 0.00005; ESP Exome Variant Server 0.00008.
gnomAD v4.1: 4 of 1,553,614 alleles (0.00026%); highest among the groups gnomAD compares: South Asian, 0.0012%; no homozygotes.

Submission:

GeneDx
Classification: Uncertain significance. Last evaluated: 2019-05-18. Review status: criteria provided, single submitter. Criteria: GeneDx Variant Classification Process June 2021. Collection method: clinical testing. Allele origin: germline. Affected: yes.
Comment: Not observed at a significant frequency in large population cohorts (Lek et al., 2016); In silico analysis, which includes protein predictors and evolutionary conservation, supports a deleterious effect; Has not been previously published as pathogenic or benign to our knowledge